The following is an entry in ClinVar:

ClinVar aggregate classification (germline): Uncertain significance (1 of 4 stars; one submission).

Conditions:
Inborn genetic diseases. Identifiers: MedGen C0950123, MeSH D030342.

gnomAD v4.1: 6 of 1,612,200 alleles (0.00037%); highest among the groups gnomAD compares: Non-Finnish European, 0.00051%; no homozygotes.

Submission:

Ambry Genetics
Classification: Uncertain significance for Inborn genetic diseases. Last evaluated: 2026-05-13. Review status: criteria provided, single submitter. Criteria: Ambry Variant Classification Scheme 2023. Collection method: clinical testing. Allele origin: germline.
Comment: The c.7253T>C (p.L2418P) alteration is located in exon 45 (coding exon 45) of the RYR1 gene. This alteration results from a T to C substitution at nucleotide position 7253, causing the leucine (L) at amino acid position 2418 to be replaced by a proline (P). Based on data from gnomAD, the C allele has an overall frequency of <0.001% (1/251406) total alleles studied. The highest observed frequency was 0.001% (1/113702) of European (non-Finnish) alleles. Based on insufficient or conflicting evidence, the clinical significance of this alteration remains unclear.

NM_000540.3(RYR1):c.7253T>C (p.Leu2418Pro)

Gene: RYR1 (ryanodine receptor 1; plus strand). Cytogenetic location: 19q13.2.
Variant type: single nucleotide variant.
Coding change: c.7253T>C on transcript NM_000540.3 (MANE Select); coding-DNA position 7253, T replaced by C.
Protein change: p.Leu2418Pro; replaces leucine 2418 with proline.
Molecular consequence: missense variant.
Genome position (GRCh38, 1-based): chr19:38,499,946, T>C. VCF-style: chr19-38499946-T-C. GRCh37 (hg19) VCF-style: chr19-38990586-T-C.
Other names: c.7253T>C, p.Leu2418Pro (NM_001042723.2); short protein forms L2418P.
Identifiers: ClinVar variation 4863693 (VCV004863693.1).